The following is an entry in ClinVar:

NM_005591.4(MRE11):c.1098+2T>C

Gene: MRE11 (MRE11 double strand break repair nuclease; minus strand). Cytogenetic location: 11q21.
Variant type: single nucleotide variant.
Coding change: c.1098+2T>C on transcript NM_005591.4 (MANE Select); the canonical splice donor site of the intron after coding-DNA position 1098, T replaced by C.
Molecular consequence: splice donor variant.
Genome position (GRCh38, 1-based): chr11:94,467,811, A>G on the plus strand (T>C on the coding strand, the complement: MRE11 is on the minus strand). VCF-style: chr11-94467811-A-G. GRCh37 (hg19) VCF-style: chr11-94200977-A-G.
Other names: c.1098+2T>C (NM_001330347.2, NM_005590.4).
Identifiers: ClinVar variation 231759 (VCV000231759.12), dbSNP rs876659343, ClinGen allele CA10579391.

ClinVar aggregate classification (germline): Likely pathogenic. Review status: criteria provided, multiple submitters, no conflicts (2 of 4 stars). 2 submissions from 2 submitters: Likely pathogenic (2). Last evaluated 2020-01-06.

Conditions:
Ataxia-telangiectasia-like disorder (ATLD). Identifiers: MedGen C1858391, MONDO:0011457.
Hereditary cancer-predisposing syndrome. Also called: Neoplastic Syndromes, Hereditary; Tumor predisposition; Hereditary Cancer Syndrome; Hereditary neoplastic syndrome. Identifiers: Orphanet 140162, MedGen C0027672, MeSH D009386, MONDO:0015356.

Submissions (2):

Labcorp Genetics (formerly Invitae), Labcorp
Classification: Likely pathogenic for Ataxia-telangiectasia-like disorder. Last evaluated: 2020-01-06. Review status: criteria provided, single submitter. Criteria: Invitae Variant Classification Sherloc (09022015). Collection method: clinical testing. Allele origin: germline.
Comment: This sequence change affects a donor splice site in intron 10 of the MRE11 gene. It is expected to disrupt RNA splicing and likely results in an absent or disrupted protein product. In summary, the currently available evidence indicates that the variant is pathogenic, but additional data are needed to prove that conclusively. Therefore, this variant has been classified as Likely Pathogenic. Donor and acceptor splice site variants typically lead to a loss of protein function (PMID: 16199547), and loss-of-function variants in MRE11 are known to be pathogenic (PMID: 23080121, 23912341). Algorithms developed to predict the effect of sequence changes on RNA splicing suggest that this variant may disrupt the consensus splice site, but this prediction has not been confirmed by published transcriptional studies. This variant has not been reported in the literature in individuals with MRE11-related conditions. ClinVar contains an entry for this variant (Variation ID: 231759). This variant is not present in population databases (ExAC no frequency).

Ambry Genetics
Classification: Likely pathogenic for Hereditary cancer-predisposing syndrome. Last evaluated: 2015-05-10. Review status: criteria provided, single submitter. Criteria: Ambry Variant Classification Scheme 2023. Collection method: clinical testing. Allele origin: germline.
Comment: The c.1098+2T>C intronic variant results from a T to C substitution two nucleotides after coding exon 9 of the MRE11A gene. This variant was not reported in population-based cohorts in the following databases: Database of Single Nucleotide Polymorphisms (dbSNP), NHLBI Exome Sequencing Project (ESP) and 1000 Genomes Project. To date, this alteration has been detected with an allele frequency of approximately 0.002% (greater than 65000 alleles tested) in our clinical cohort. Based on nucleotide sequence alignment, this position is highly conserved in available vertebrate species. Using the BDGP and ESEfinder splice site prediction tools, this alteration is predicted to abolish the native donor splice site; however, direct evidence is unavailable. Alterations that disrupt the canonical splice donor site are typically deleterious in nature (ACMG Recommendations for Standards for Interpretation and Reporting of Sequence Variations. Revision 2007. Genet Med. 2008;10:294). As such, the c.1098+2T>C variant is classified as likely pathogenic.

Literature cited by the submitters: PubMed 16199547 (cited by Labcorp Genetics (formerly Invitae), Labcorp); PubMed 23080121 (cited by Labcorp Genetics (formerly Invitae), Labcorp); PubMed 23912341 (cited by Labcorp Genetics (formerly Invitae), Labcorp).